The following is an entry in ClinVar:

NM_005188.4(CBL):c.380A>G (p.Lys127Arg)

Gene: CBL (Cbl proto-oncogene; plus strand). Cytogenetic location: 11q23.3.
Variant type: single nucleotide variant.
Coding change: c.380A>G on transcript NM_005188.4 (MANE Select); coding-DNA position 380, A replaced by G.
Protein change: p.Lys127Arg; replaces lysine 127 with arginine.
Molecular consequence: missense variant.
Genome position (GRCh38, 1-based): chr11:119,232,632, A>G. VCF-style: chr11-119232632-A-G. GRCh37 (hg19) VCF-style: chr11-119103342-A-G.
Other names: short protein forms K127R.
Identifiers: ClinVar variation 3827843 (VCV003827843.1).

ClinVar aggregate classification (germline): Uncertain significance (1 of 4 stars; one submission).

Conditions:
Cardiovascular phenotype. Identifiers: MedGen CN230736.

Submission:

Ambry Genetics
Classification: Uncertain significance for Cardiovascular phenotype. Last evaluated: 2025-02-09. Review status: criteria provided, single submitter. Criteria: Ambry Variant Classification Scheme 2023. Collection method: clinical testing. Allele origin: germline.
Comment: The p.K127R variant (also known as c.380A>G), located in coding exon 2 of the CBL gene, results from an A to G substitution at nucleotide position 380. The lysine at codon 127 is replaced by arginine, an amino acid with highly similar properties. This amino acid position is conserved. In addition, the in silico prediction for this alteration is inconclusive. Based on the available evidence, the clinical significance of this variant remains unclear.